The following is an entry in ClinVar:

NM_002439.5(MSH3):c.2316_2318dup (p.Gly772_Ser773insArg)

Gene: MSH3 (mutS homolog 3; plus strand). Cytogenetic location: 5q14.1.
Variant type: Duplication.
Coding change: c.2316_2318dup on transcript NM_002439.5 (MANE Select); coding-DNA positions 2316 to 2318, 3 bases duplicated (AAG; older notation c.2316_2318dupAAG).
Protein change: p.Gly772_Ser773insArg.
Molecular consequence: inframe insertion.
Genome position (GRCh38, 1-based): chr5:80,775,756-80,775,758, AAG duplicated; duplicating any 3 consecutive bases within chr5:80,775,755-80,775,758 gives the same sequence; the c. name uses the placement nearest the transcript's 3' end. VCF-style (leftmost placement, unchanged base first): chr5-80775754-G-GGAA. GRCh37 (hg19) VCF-style: chr5-80071573-G-GGAA.
Identifiers: ClinVar variation 1443864 (VCV001443864.10), dbSNP rs2112890222, ClinGen allele CA2573139936.

ClinVar aggregate classification (germline): Uncertain significance. Review status: criteria provided, multiple submitters, no conflicts (2 of 4 stars). 2 submissions from 2 submitters: Uncertain significance (2). Last evaluated 2024-03-06.

Conditions:
Hereditary cancer-predisposing syndrome. Also called: Tumor predisposition; Hereditary Cancer Syndrome; Hereditary neoplastic syndrome; Neoplastic Syndromes, Hereditary. Identifiers: Orphanet 140162, MedGen C0027672, MeSH D009386, MONDO:0015356.

Submissions (2):

Labcorp Genetics (formerly Invitae), Labcorp
Classification: Uncertain significance. Last evaluated: 2024-03-06. Review status: criteria provided, single submitter. Criteria: Invitae Variant Classification Sherloc (09022015). Collection method: clinical testing. Allele origin: germline.
Comment: This variant, c.2316_2318dup, results in the insertion of 1 amino acid(s) of the MSH3 protein (p.Gly772_Ser773insArg), but otherwise preserves the integrity of the reading frame. This variant is not present in population databases (gnomAD no frequency). This variant has not been reported in the literature in individuals affected with MSH3-related conditions. ClinVar contains an entry for this variant (Variation ID: 1443864). Experimental studies and prediction algorithms are not available or were not evaluated, and the functional significance of this variant is currently unknown. In summary, the available evidence is currently insufficient to determine the role of this variant in disease. Therefore, it has been classified as a Variant of Uncertain Significance.

Ambry Genetics
Classification: Uncertain significance for Hereditary cancer-predisposing syndrome. Last evaluated: 2022-01-13. Review status: criteria provided, single submitter. Criteria: Ambry Variant Classification Scheme 2023. Collection method: clinical testing. Allele origin: germline.
Comment: The c.2316_2318dupAAG variant (also known as p.G772_S773insR), located in coding exon 16 of the MSH3 gene, results from an in-frame duplication of AAG at nucleotide positions 2316 to 2318. This results in the insertion of an extra residue (R) between codons 772 and 773. This amino acid region is highly conserved in available vertebrate species. In addition, this alteration is predicted to be deleterious by in silico analysis (Choi Y et al. PLoS ONE. 2012; 7(10):e46688). Since supporting evidence is limited at this time, the clinical significance of this alteration remains unclear.